The following is an entry in ClinVar:

ClinVar aggregate classification (germline): Pathogenic. Review status: reviewed by expert panel (3 of 4 stars). 8 submissions from 8 submitters: Pathogenic (1). 7 of the submissions do not count toward it. Last evaluated 2016-09-08.

Conditions:
Hereditary cancer-predisposing syndrome. Also called: Tumor predisposition; Neoplastic Syndromes, Hereditary; Hereditary Cancer Syndrome; Hereditary neoplastic syndrome. Identifiers: Orphanet 140162, MedGen C0027672, MeSH D009386, MONDO:0015356.
Hereditary breast ovarian cancer syndrome. Also called: Hereditary breast and ovarian cancer syndrome (HBOC); Hereditary breast and ovarian cancer syndrome; Hereditary breast and ovarian cancer; Hereditary breast and/or ovarian cancer syndrome; Breast and ovarian cancer; BRCA1- and BRCA2-Associated Hereditary Breast and Ovarian Cancer. Identifiers: Orphanet 145, MedGen C0677776, MeSH D061325, MONDO:0003582. Disease mechanism: loss of function.
Breast-ovarian cancer, familial, susceptibility to, 1 (BROVCA1). Also called: OVARIAN CANCER, SUSCEPTIBILITY TO; BRCA1 Hereditary Breast and Ovarian Cancer. Identifiers: Orphanet 145, MedGen C2676676, MONDO:0011450, OMIM 604370. Disease mechanism: loss of function.

Submissions (8):

Evidence-based Network for the Interpretation of Germline Mutant Alleles (ENIGMA)
Classification: Pathogenic for Breast-ovarian cancer, familial, susceptibility to, 1. Last evaluated: 2016-09-08. Review status: reviewed by expert panel. Criteria: ENIGMA BRCA1/2 Classification Criteria (2015). Collection method: curation. Allele origin: germline.
Comment: Variant allele predicted to encode a truncated non-functional protein.

Ambry Genetics
Classification: Pathogenic for Hereditary cancer-predisposing syndrome. Last evaluated: 2025-06-06. Review status: criteria provided, single submitter. Criteria: Ambry Variant Classification Scheme 2023. Collection method: clinical testing. Allele origin: germline. Not counted in ClinVar's aggregate classification.
Comment: The c.1323_1324delAT pathogenic mutation, located in coding exon 9 of the BRCA1 gene, results from a deletion of two nucleotides at nucleotide positions 1323 to 1324, causing a translational frameshift with a predicted alternate stop codon (p.I441Mfs*2). This alteration was identified in a large, worldwide study of BRCA1/2 mutation positive families (Rebbeck TR et al. Hum. Mutat., 2018 05;39:593-620). This variant is considered to be rare based on population cohorts in the Genome Aggregation Database (gnomAD). In addition to the clinical data presented in the literature, this alteration is expected to result in loss of function by premature protein truncation or nonsense-mediated mRNA decay. As such, this alteration is interpreted as a disease-causing mutation.

Labcorp Genetics (formerly Invitae), Labcorp
Classification: Pathogenic for Hereditary breast ovarian cancer syndrome. Last evaluated: 2022-04-24. Review status: criteria provided, single submitter. Criteria: Invitae Variant Classification Sherloc (09022015). Collection method: clinical testing. Allele origin: germline. Not counted in ClinVar's aggregate classification.
Comment: This variant is not present in population databases (gnomAD no frequency). For these reasons, this variant has been classified as Pathogenic. ClinVar contains an entry for this variant (Variation ID: 54201). This variant has not been reported in the literature in individuals affected with BRCA1-related conditions. This sequence change creates a premature translational stop signal (p.Ile441Metfs*2) in the BRCA1 gene. It is expected to result in an absent or disrupted protein product. Loss-of-function variants in BRCA1 are known to be pathogenic (PMID: 20104584).

Color Diagnostics, LLC DBA Color Health
Classification: Pathogenic for Hereditary cancer-predisposing syndrome. Last evaluated: 2021-07-14. Review status: criteria provided, single submitter. Criteria: ACMG Guidelines, 2015. Collection method: clinical testing. Allele origin: germline. Not counted in ClinVar's aggregate classification.
Comment: This variant deletes 2 nucleotides in exon 10 of the BRCA1 gene, creating a frameshift and premature translation stop signal. This variant is expected to result in an absent or non-functional protein product. This variant has been detected in a suspected hereditary breast and ovarian cancer family (PMID: 29446198). This variant has not been identified in the general population by the Genome Aggregation Database (gnomAD). Loss of BRCA1 function is a known mechanism of disease. Based on the available evidence, this variant is classified as Pathogenic.

GeneDx
Classification: Pathogenic. Last evaluated: 2016-05-31. Review status: criteria provided, single submitter. Criteria: GeneDx Variant Classification (06012015). Collection method: clinical testing. Allele origin: germline. Affected: yes. Not counted in ClinVar's aggregate classification.
Comment: This deletion of two nucleotides in BRCA1 is denoted c.1323_1324delAT at the cDNA level and p.Ile441MetfsX2 (I441MfsX2) at the protein level. Using alternate nomenclature, this variant would be defined as BRCA1 1442_1443delAT. The normal sequence, with the bases that are deleted in braces, is TAAT[AT]GTAA. The deletion causes a frameshift which changes an Isoleucine to a Methionine at codon 441, and creates a premature stop codon at position 2 of the new reading frame. Although this variant has not, to our knowledge, been reported in the literature, it is predicted to cause loss of normal protein function through either protein truncation or nonsense-mediated mRNA decay. Based on currently available evidence, we consider this variant to be pathogenic.

Consortium of Investigators of Modifiers of BRCA1/2 (CIMBA), c/o University of Cambridge
Classification: Pathogenic for Breast-ovarian cancer, familial, susceptibility to, 1. Last evaluated: 2015-10-02. Review status: criteria provided, single submitter. Criteria: CIMBA Mutation Classification guidelines May 2016. Collection method: clinical testing. Allele origin: germline. Not counted in ClinVar's aggregate classification.

Sharing Clinical Reports Project (SCRP)
Classification: Pathogenic for Breast-ovarian cancer, familial 1. Last evaluated: 2009-12-07. Review status: no assertion criteria provided. Collection method: clinical testing. Allele origin: germline. Not counted in ClinVar's aggregate classification.

Breast Cancer Information Core (BIC) (BRCA1)
Classification: Pathogenic for Breast-ovarian cancer, familial 1. Last evaluated: 2000-06-12. Review status: no assertion criteria provided. Collection method: clinical testing. Allele origin: germline. Affected: yes. Observed: 2 variant alleles. Not counted in ClinVar's aggregate classification.

Literature cited by the submitters: PubMed 29446198 (cited by Ambry Genetics and Color Diagnostics, LLC DBA Color Health); PubMed 20104584 (cited by Labcorp Genetics (formerly Invitae), Labcorp).

NM_007294.4(BRCA1):c.1323_1324del (p.Ile441fs)

Gene: BRCA1 (BRCA1 DNA repair associated; minus strand). Cytogenetic location: 17q21.31.
Variant type: Microsatellite.
Coding change: c.1323_1324del on transcript NM_007294.4 (MANE Select); coding-DNA positions 1323 to 1324, 2 bases deleted (AT; older notation c.1323_1324delAT).
Protein change: p.Ile441fs; shifts the reading frame from isoleucine 441.
Molecular consequence: frameshift variant. On other transcripts: intron variant (137).
Genome position (GRCh38, 1-based): chr17:43,094,207-43,094,208, AT deleted on the plus strand (AT on the coding strand, the reverse complement: BRCA1 is on the minus strand); deleting any 2 consecutive bases within chr17:43,094,207-43,094,210 gives the same sequence; the c. name uses the placement nearest the transcript's 3' end. VCF-style (leftmost placement, unchanged base first): chr17-43094206-CAT-C. GRCh37 (hg19) VCF-style: chr17-41246223-CAT-C.
Other names: 1442delAT; c.1323_1324delAT (NM_007294.3); c.661+536_661+537del (NM_001408434.1, NM_001408447.1, NM_001408433.1 and 6 more transcripts); c.784+536_784+537del (NM_001408398.1, NM_001407992.1, NM_001408400.1 and 13 more transcripts); c.664+536_664+537del (NM_001408440.1, NM_001408428.1, NM_001408441.1 and 12 more transcripts); c.670+1638_670+1639del (NM_001408418.1, NM_001408423.1, NM_001408420.1 and 2 more transcripts); c.787+536_787+537del (NM_001407981.1, NM_007298.4, NM_001407978.1 and 19 more transcripts); c.643+536_643+537del (NM_001408462.1, NM_001408470.1, NM_001408464.1 and 3 more transcripts); and 42 more; short protein forms I441fs, I394fs, I330fs, I352fs, I370fs, I399fs, I314fs, I329fs.
Identifiers: ClinVar variation 54201 (VCV000054201.20), dbSNP rs80357570, ClinGen allele CA000863.
Genomic context (GRCh38, chr17:43,094,206, plus strand): 5'-CCAAATATTTTGTCTTCAATATTACTCTCTACTGATTTGGAGTGAACTCTTTCACTTTTA[CAT>C]ATTAAAGCCTCATGAGGATCACTGGCCAGTAAGTCTATTTTCTCTGAAGAACCAGAATAT-3'